The following is an entry in ClinVar:

NM_003978.5(PSTPIP1):c.-16C>T

Gene: PSTPIP1 (proline-serine-threonine phosphatase interacting protein 1; plus strand). Cytogenetic location: 15q24.3.
Variant type: single nucleotide variant.
Coding change: c.-16C>T on transcript NM_003978.5 (MANE Select); 16 bases upstream of the start codon, C replaced by T.
Molecular consequence: 5 prime UTR variant. On other transcripts: synonymous variant (1), non-coding transcript variant (1).
Genome position (GRCh38, 1-based): chr15:76,995,558, C>T. VCF-style: chr15-76995558-C-T. GRCh37 (hg19) VCF-style: chr15-77287899-C-T.
Other names: c.-16C>T (NM_001321135.2); c.-262C>T (NM_001321136.2); c.180C>T, p.Arg60= (NM_001321137.1).
Identifiers: ClinVar variation 516518 (VCV000516518.3), dbSNP rs372407300, ClinGen allele CA7675634.
Genomic context (GRCh38, chr15:76,995,558, plus strand): 5'-CTGCTGCTGGCGCCTGGCCCTCCATCAGGCCAGCCTGTGGCAGGAGAGTGAGCTTTGCCG[C>T]GGCAGACGCCTGAGGATGATGCCCCAGCTGCAGTTCAAAGATGCCTTTTGGGTGAGTGAG-3'

ClinVar aggregate classification (germline): Benign/Likely benign. Review status: criteria provided, multiple submitters, no conflicts (2 of 4 stars). 3 submissions from 3 submitters: Benign (1); Likely benign (2). Last evaluated 2026-04-02.

Allele frequency attached by ClinVar (database versions not stated): gnomAD below 0.00001 and 0.00003; TOPMed 0.00004; ESP Exome Variant Server 0.00008; gnomAD exomes 0.00011 and 0.00015; ExAC 0.00016; 1000 Genomes Project 30x 0.00031; 1000 Genomes Project 0.00040.
gnomAD v4.1: 169 of 1,613,856 alleles (0.01%); highest among the groups gnomAD compares: South Asian, 0.099%; no homozygotes.

Submissions (3):

Women's Health and Genetics/Laboratory Corporation of America, LabCorp
Classification: Benign. Last evaluated: 2026-04-02. Review status: criteria provided, single submitter. Criteria: LabCorp Variant Classification Summary - May 2015. Collection method: clinical testing. Allele origin: germline.
Comment: Variant summary: PSTPIP1 c.-16C>T is located in the untranslated mRNA region upstream of the initiation codon. The variant allele was found at a frequency of 0.00015 in 248416 control chromosomes. The observed variant frequency exceeds the estimated maximal expected allele frequency for disease-causing variants in PSTPIP1. To our knowledge, no occurrence of c.-16C>T in individuals affected with PSTPIP1-related conditions and no experimental evidence demonstrating its impact on protein function have been reported. ClinVar contains an entry for this variant (Variation ID: 516518). Based on the evidence outlined above, the variant was classified as benign.

Blueprint Genetics
Classification: Likely benign. Last evaluated: 2023-08-07. Review status: criteria provided, single submitter. Criteria: ACMG Guidelines, 2015. Collection method: clinical testing. Allele origin: germline.

GeneDx
Classification: Likely benign. Last evaluated: 2017-06-23. Review status: criteria provided, single submitter. Criteria: GeneDx Variant Classification (06012015). Collection method: clinical testing. Allele origin: germline. Affected: yes.
Comment: This variant is considered likely benign or benign based on one or more of the following criteria: it is a conservative change, it occurs at a poorly conserved position in the protein, it is predicted to be benign by multiple in silico algorithms, and/or has population frequency not consistent with disease.